The following is an entry in ClinVar:

NM_007373.4(SHOC2):c.130A>G (p.Lys44Glu)

Gene: SHOC2 (SHOC2 leucine rich repeat scaffold protein; plus strand). Cytogenetic location: 10q25.2.
Variant type: single nucleotide variant.
Coding change: c.130A>G on transcript NM_007373.4 (MANE Select); coding-DNA position 130, A replaced by G.
Protein change: p.Lys44Glu; replaces lysine 44 with glutamic acid.
Molecular consequence: missense variant.
Genome position (GRCh38, 1-based): chr10:110,964,488, A>G. VCF-style: chr10-110964488-A-G. GRCh37 (hg19) VCF-style: chr10-112724246-A-G.
Other names: c.130A>G, p.Lys44Glu (NM_001269039.3, NM_001324336.2, NM_001324337.2); short protein forms K44E.
Identifiers: ClinVar variation 1947650 (VCV001947650.5), dbSNP rs2493838387, ClinGen allele CA378381671.
Genomic context (GRCh38, chr10:110,964,488, plus strand): 5'-AGAGAAAAGGAGGCAAAAGCCTCTGGAGGTTTTGGGAAAGAGAGCAAAGAAAAAGAACCT[A>G]AGACCAAAGGGAAAGATGCCAAAGATGGAAAGAAGGACTCCAGTGCTGCCCAACCAGGGG-3'
Protein context (NP_031399.2, residues 34-54): FGKESKEKEP[Lys44Glu]TKGKDAKDGK

ClinVar aggregate classification (germline): Uncertain significance (1 of 4 stars; one submission).

Conditions:
RASopathy. Also called: rasopathies; Noonan spectrum disorder. Identifiers: Orphanet 536391, MedGen C5555857, MONDO:0021060.

Submission:

Labcorp Genetics (formerly Invitae), Labcorp
Classification: Uncertain significance for RASopathy. Last evaluated: 2022-02-18. Review status: criteria provided, single submitter. Criteria: Invitae Variant Classification Sherloc (09022015). Collection method: clinical testing. Allele origin: germline.
Comment: In summary, the available evidence is currently insufficient to determine the role of this variant in disease. Therefore, it has been classified as a Variant of Uncertain Significance. Algorithms developed to predict the effect of missense changes on protein structure and function are either unavailable or do not agree on the potential impact of this missense change (SIFT: "Tolerated"; PolyPhen-2: "Probably Damaging"; Align-GVGD: "Class C0"). This variant has not been reported in the literature in individuals affected with SHOC2-related conditions. This variant is not present in population databases (gnomAD no frequency). This sequence change replaces lysine, which is basic and polar, with glutamic acid, which is acidic and polar, at codon 44 of the SHOC2 protein (p.Lys44Glu).